The following is an entry in ClinVar:

ClinVar aggregate classification (germline): Uncertain significance (1 of 4 stars; one submission).

Conditions:
Epileptic encephalopathy. Identifiers: MedGen C0543888, HP:0200134.

Submission:

Labcorp Genetics (formerly Invitae), Labcorp
Classification: Uncertain significance for Epileptic encephalopathy. Last evaluated: 2025-05-22. Review status: criteria provided, single submitter. Criteria: Invitae Variant Classification Sherloc (09022015). Collection method: clinical testing. Allele origin: germline.
Comment: This sequence change replaces glutamine, which is neutral and polar, with glutamic acid, which is acidic and polar, at codon 414 of the GABBR2 protein (p.Gln414Glu). This variant is not present in population databases (gnomAD no frequency). This variant has not been reported in the literature in individuals affected with GABBR2-related conditions. Invitae Evidence Modeling of protein sequence and biophysical properties (such as structural, functional, and spatial information, amino acid conservation, physicochemical variation, residue mobility, and thermodynamic stability) indicates that this missense variant is not expected to disrupt GABBR2 protein function with a negative predictive value of 80%. In summary, the available evidence is currently insufficient to determine the role of this variant in disease. Therefore, it has been classified as a Variant of Uncertain Significance.

NM_005458.8(GABBR2):c.1240C>G (p.Gln414Glu)

Gene: GABBR2 (gamma-aminobutyric acid type B receptor subunit 2; minus strand). Cytogenetic location: 9q22.33.
Variant type: single nucleotide variant.
Coding change: c.1240C>G on transcript NM_005458.8 (MANE Select); coding-DNA position 1240, C replaced by G.
Protein change: p.Gln414Glu; replaces glutamine 414 with glutamic acid.
Molecular consequence: missense variant.
Genome position (GRCh38, 1-based): chr9:98,406,138, G>C on the plus strand (C>G on the coding strand, the complement: GABBR2 is on the minus strand). VCF-style: chr9-98406138-G-C. GRCh37 (hg19) VCF-style: chr9-101168420-G-C.
Other names: short protein forms Q414E.
Identifiers: ClinVar variation 4696800 (VCV004696800.1).
Genomic context (GRCh38, chr9:98,406,138, plus strand): 5'-TACCTTGAAATTGAGTAAATTTAATGGTCCCCATTCTCTCCCCATTCCGGAATACAACTT[G>C]ACCCTAAAAACAAAACAAAACAAATCAAACAAGAATAAAAGAGAAATGCCACATTAGCCC-3'
Protein context (NP_005449.5, residues 404-424): NETNFFGVTG[Gln414Glu]VVFRNGERMG